The following is an entry in ClinVar:

ClinVar aggregate classification (germline): Conflicting classifications of pathogenicity. Review status: criteria provided, conflicting classifications (1 of 4 stars). 6 submissions from 6 submitters: Pathogenic (3); Likely pathogenic (1); Uncertain significance (1). 1 of the submissions does not count toward it. Last evaluated 2022-12-29.

Conditions:
SOX5-related disorder. Also called: SOX5-related condition.
Neurodevelopmental delay. Identifiers: MedGen C4022738, HP:0012758.
Inborn genetic diseases. Identifiers: MedGen C0950123, MeSH D030342.
Lamb-Shaffer syndrome. Identifiers: Orphanet 313884, Orphanet 313892, Orphanet 530983, MedGen C4225202, MONDO:0014778, OMIM 616803.

Allele frequency attached by ClinVar (database versions not stated): gnomAD exomes below 0.00001.
gnomAD v4.1: 1 of 1,613,816 alleles (0.000062%); highest among the groups gnomAD compares: Non-Finnish European, 0.000085%; no homozygotes.

Submissions (6):

GeneDx
Classification: Pathogenic. Last evaluated: 2022-12-29. Review status: criteria provided, single submitter. Criteria: GeneDx Variant Classification Process June 2021. Collection method: clinical testing. Allele origin: germline. Affected: yes.
Comment: Published functional studies demonstrate a damaging effect on DNA binding and activating transcription of gene targets (Zawerton et al., 2020); In silico analysis supports that this missense variant has a deleterious effect on protein structure/function; Not observed at significant frequency in large population cohorts (gnomAD); This variant is associated with the following publications: (PMID: 31578471)

Blueprint Genetics
Classification: Pathogenic for SOX5-related disorders. Last evaluated: 2021-06-23. Review status: criteria provided, single submitter. Criteria: ACMG Guidelines, 2015. Collection method: clinical testing. Allele origin: germline. Affected: yes. Observed: 1 variant allele.

Ambry Genetics
Classification: Likely pathogenic for Inborn genetic diseases. Last evaluated: 2021-06-02. Review status: criteria provided, single submitter. Criteria: Ambry Variant Classification Scheme 2023. Collection method: clinical testing. Allele origin: germline.
Comment: The c.1678A>G (p.M560V) alteration is located in coding exon 13 of the SOX5 gene. This alteration results from an A to G substitution at nucleotide position 1678, causing the methionine (M) at amino acid position 560 to be replaced by a valine (V). Based on data from the Genome Aggregation Database (gnomAD), the SOX5 c.1678A>G alteration was not observed, with coverage at this position. This alteration was reported de novo in two unrelated patients (includes this patient) with language delay and mild intellectual disability (Zawerton, 2020). Other features included seizures and temper tantrums. The p.M560 amino acid is conserved in available vertebrate species. The p.M560V amino acid is located in the SOX5 high-mobility group (HMG) domain which is important for DNA binding and bending, nuclear trafficking, and protein-protein interactions (Zawerton, 2020). Functional studies showed that HMG missense variants prevented SOX5 from binding DNA and from participating in transcriptional activation. The p.M560V alteration is predicted to be deleterious by in silico analysis. Based on the available evidence, this alteration is classified as likely pathogenic.

CeGaT Center for Human Genetics Tuebingen
Classification: Uncertain significance. Last evaluated: 2018-10-01. Review status: criteria provided, single submitter. Criteria: CeGaT Center For Human Genetics Tuebingen Variant Classification Criteria Version 2. Collection method: clinical testing. Allele origin: germline. Affected: yes. Observed: 3 variant alleles.

Centre de Biologie Pathologie Génétique, Centre Hospitalier Universitaire de Lille
Classification: Pathogenic for Neurodevelopmental delay. Review status: criteria provided, single submitter. Criteria: ACMG Guidelines, 2015. Collection method: clinical testing. Allele origin: de novo. Affected: yes.

Institute for Human Genetics, University Hospital Essen
Classification: Pathogenic for Lamb-Shaffer syndrome. Last evaluated: 2019-08-05. Review status: no assertion criteria provided. Collection method: clinical testing. Allele origin: de novo. Inheritance: Autosomal dominant inheritance. Affected: yes. Not counted in ClinVar's aggregate classification.

NM_006940.6(SOX5):c.1678A>G (p.Met560Val)

Gene: SOX5 (SRY-box transcription factor 5; minus strand). Cytogenetic location: 12p12.1.
Variant type: single nucleotide variant.
Coding change: c.1678A>G on transcript NM_006940.6 (MANE Select); coding-DNA position 1678, A replaced by G.
Protein change: p.Met560Val; replaces methionine 560 with valine.
Molecular consequence: missense variant.
Genome position (GRCh38, 1-based): chr12:23,543,304, T>C on the plus strand (A>G on the coding strand, the complement: SOX5 is on the minus strand). VCF-style: chr12-23543304-T-C. GRCh37 (hg19) VCF-style: chr12-23696238-T-C.
Other names: c.1315A>G, p.Met439Val (NM_001261414.3); c.1648A>G, p.Met550Val (NM_001261415.3); c.1573A>G, p.Met525Val (NM_001330785.2); c.1639A>G, p.Met547Val (NM_152989.5); c.520A>G, p.Met174Val (NM_178010.4); short protein forms M560V, M439V, M547V, M174V, M525V, M550V.
Identifiers: ClinVar variation 695083 (VCV000695083.49), dbSNP rs1591908609, ClinGen allele CA384319901.